The following is an entry in ClinVar:

ClinVar aggregate classification (germline): Uncertain significance. Review status: criteria provided, multiple submitters, no conflicts (2 of 4 stars). 2 submissions from 2 submitters: Uncertain significance (2). Last evaluated 2025-03-08.

Conditions:
Infantile spasms. Also called: Infantile spasm. Identifiers: MedGen C3887898, HP:0012469.

Allele frequency attached by ClinVar (database versions not stated): gnomAD exomes 0.00001 and 0.00004; TOPMed 0.00001; ExAC 0.00002.
gnomAD v4.1: 62 of 1,614,152 alleles (0.0038%); highest among the groups gnomAD compares: Non-Finnish European, 0.0052%; no homozygotes.

Submissions (2):

Ambry Genetics
Classification: Uncertain significance. Last evaluated: 2025-03-08. Review status: criteria provided, single submitter. Criteria: Ambry Variant Classification Scheme 2023. Collection method: clinical testing. Allele origin: germline.

Labcorp Genetics (formerly Invitae), Labcorp
Classification: Uncertain significance for Infantile spasms. Last evaluated: 2024-11-05. Review status: criteria provided, single submitter. Criteria: Invitae Variant Classification Sherloc (09022015). Collection method: clinical testing. Allele origin: germline.
Comment: This sequence change replaces lysine, which is basic and polar, with isoleucine, which is neutral and non-polar, at codon 700 of the PIK3AP1 protein (p.Lys700Ile). This variant is present in population databases (rs760856517, gnomAD 0.007%). This variant has not been reported in the literature in individuals affected with PIK3AP1-related conditions. ClinVar contains an entry for this variant (Variation ID: 1018992). An algorithm developed to predict the effect of missense changes on protein structure and function (PolyPhen-2) suggests that this variant is likely to be disruptive. In summary, the available evidence is currently insufficient to determine the role of this variant in disease. Therefore, it has been classified as a Variant of Uncertain Significance.

NM_152309.3(PIK3AP1):c.2099A>T (p.Lys700Ile)

Gene: PIK3AP1 (phosphoinositide-3-kinase adaptor protein 1; minus strand). Cytogenetic location: 10q24.1.
Variant type: single nucleotide variant.
Coding change: c.2099A>T on transcript NM_152309.3 (MANE Select); coding-DNA position 2099, A replaced by T.
Protein change: p.Lys700Ile; replaces lysine 700 with isoleucine.
Molecular consequence: missense variant.
Genome position (GRCh38, 1-based): chr10:96,609,783, T>A on the plus strand (A>T on the coding strand, the complement: PIK3AP1 is on the minus strand). VCF-style: chr10-96609783-T-A. GRCh37 (hg19) VCF-style: chr10-98369540-T-A.
Other names: c.2099A>T (NM_152309.2); short protein forms K700I.
Identifiers: ClinVar variation 1018992 (VCV001018992.9), dbSNP rs760856517, ClinGen allele CA5626065.
Genomic context (GRCh38, chr10:96,609,783, plus strand): 5'-GAGGTGCTGTCTGTTTTCCAGTCTCCTCGTCTCAGCTCCGTCCTAGGGGGAATGACACTT[T>A]TCCTGGGGCCACTCTCATAGACTCCAAACTCCACTTTTGCAGGCAGGTGCTGTGAGTGCC-3'
Protein context (NP_689522.2, residues 690-710): EFGVYESGPR[Lys700Ile]SVIPPRTELR